The following is an entry in ClinVar:

ClinVar aggregate classification (germline): Uncertain significance. Review status: criteria provided, multiple submitters, no conflicts (2 of 4 stars). 2 submissions from 2 submitters: Uncertain significance (2). Last evaluated 2024-10-16.

Conditions:
Inborn genetic diseases. Identifiers: MedGen C0950123, MeSH D030342.
Primary ciliary dyskinesia 30. Also called: CILIARY DYSKINESIA, PRIMARY, 30, WITH OR WITHOUT SITUS INVERSUS. Identifiers: Orphanet 244, MedGen C4015016, MONDO:0014465, OMIM 616037.

Allele frequency attached by ClinVar (database versions not stated): 1000 Genomes Project 0.00020; ExAC 0.00007; gnomAD exomes 0.00001; gnomAD 0.00005; 1000 Genomes Project 30x 0.00016.
gnomAD v4.1: 27 of 1,613,308 alleles (0.0017%); highest among the groups gnomAD compares: East Asian, 0.054%; no homozygotes.

Submissions (2):

Labcorp Genetics (formerly Invitae), Labcorp
Classification: Uncertain significance for Primary ciliary dyskinesia 30. Last evaluated: 2024-10-16. Review status: criteria provided, single submitter. Criteria: Invitae Variant Classification Sherloc (09022015). Collection method: clinical testing. Allele origin: germline.
Comment: This sequence change replaces phenylalanine, which is neutral and non-polar, with cysteine, which is neutral and slightly polar, at codon 557 of the CCDC151 protein (p.Phe557Cys). This variant is present in population databases (rs76283128, gnomAD 0.1%). This variant has not been reported in the literature in individuals affected with CCDC151-related conditions. ClinVar contains an entry for this variant (Variation ID: 2077749). An algorithm developed to predict the effect of missense changes on protein structure and function (PolyPhen-2) suggests that this variant is likely to be disruptive. In summary, the available evidence is currently insufficient to determine the role of this variant in disease. Therefore, it has been classified as a Variant of Uncertain Significance.

Ambry Genetics
Classification: Uncertain significance for Inborn genetic diseases. Last evaluated: 2022-02-10. Review status: criteria provided, single submitter. Criteria: Ambry Variant Classification Scheme 2023. Collection method: clinical testing. Allele origin: germline.

NM_145045.5(ODAD3):c.1670T>G (p.Phe557Cys)

Gene: ODAD3 (outer dynein arm docking complex subunit 3; minus strand). Cytogenetic location: 19p13.2.
Variant type: single nucleotide variant.
Coding change: c.1670T>G on transcript NM_145045.5 (MANE Select); coding-DNA position 1670, T replaced by G.
Protein change: p.Phe557Cys; replaces phenylalanine 557 with cysteine.
Molecular consequence: missense variant.
Genome position (GRCh38, 1-based): chr19:11,421,133, A>C on the plus strand (T>G on the coding strand, the complement: ODAD3 is on the minus strand). VCF-style: chr19-11421133-A-C. GRCh37 (hg19) VCF-style: chr19-11531801-A-C.
Other names: c.1508T>G, p.Phe503Cys (NM_001302453.1); c.1490T>G, p.Phe497Cys (NM_001302454.2); c.1670T>G (NM_145045.4); short protein forms F503C, F497C, F557C.
Identifiers: ClinVar variation 2077749 (VCV002077749.4), dbSNP rs76283128, ClinGen allele CA9211953.